The following is an entry in ClinVar:

NM_003073.5(SMARCB1):c.312T>A (p.Asp104Glu)

Gene: SMARCB1 (SWI/SNF related BAF chromatin remodeling complex subunit B1; plus strand). Cytogenetic location: 22q11.23.
Variant type: single nucleotide variant.
Coding change: c.312T>A on transcript NM_003073.5 (MANE Select); coding-DNA position 312, T replaced by A.
Protein change: p.Asp104Glu; replaces aspartic acid 104 with glutamic acid.
Molecular consequence: missense variant.
Genome position (GRCh38, 1-based): chr22:23,793,638, T>A. VCF-style: chr22-23793638-T-A. GRCh37 (hg19) VCF-style: chr22-24135825-T-A.
Other names: c.285T>A, p.Asp95Glu (NM_001007468.3, NM_001317946.2); c.312T>A, p.Asp104Glu (NM_001362877.2); short protein forms D104E, D95E.
Identifiers: ClinVar variation 3446092 (VCV003446092.1).
Genomic context (GRCh38, chr22:23,793,638, plus strand): 5'-AGCCACCAGTGTGACCCTGTTAAAAGCCTCGGAAGTGGAAGAGATTCTGGATGGCAACGA[T>A]GAGAAGTACAAGGCTGTGTCCATCAGCACAGAGCCCCCCACCTACCTCAGGTAATGCGTT-3'
Protein context (NP_003064.2, residues 94-114): SEVEEILDGN[Asp104Glu]EKYKAVSIST

ClinVar aggregate classification (germline): Uncertain significance (1 of 4 stars; one submission).

Conditions:
Hereditary cancer-predisposing syndrome. Also called: Tumor predisposition; Neoplastic Syndromes, Hereditary; Hereditary neoplastic syndrome; Hereditary Cancer Syndrome. Identifiers: Orphanet 140162, MedGen C0027672, MeSH D009386, MONDO:0015356.

Submission:

Ambry Genetics
Classification: Uncertain significance for Hereditary cancer-predisposing syndrome. Last evaluated: 2024-11-30. Review status: criteria provided, single submitter. Criteria: Ambry Variant Classification Scheme 2023. Collection method: clinical testing. Allele origin: germline.
Comment: The p.D104E variant (also known as c.312T>A), located in coding exon 3 of the SMARCB1 gene, results from a T to A substitution at nucleotide position 312. The aspartic acid at codon 104 is replaced by glutamic acid, an amino acid with highly similar properties. This amino acid position is conserved. In addition, the in silico prediction for this alteration is inconclusive. Based on the available evidence, the clinical significance of this variant remains unclear.